The following is an entry in ClinVar:

ClinVar aggregate classification (germline): Uncertain significance (1 of 4 stars; one submission).

Submission:

GeneDx
Classification: Uncertain significance. Last evaluated: 2022-08-23. Review status: criteria provided, single submitter. Criteria: GeneDx Variant Classification Process June 2021. Collection method: clinical testing. Allele origin: germline. Affected: yes.
Comment: Not observed at significant frequency in large population cohorts (gnomAD); In silico analysis supports that this missense variant has a deleterious effect on protein structure/function; Has not been previously published as pathogenic or benign to our knowledge

NM_000965.5(RARB):c.848T>C (p.Leu283Pro)

Gene: RARB (retinoic acid receptor beta; plus strand). Cytogenetic location: 3p24.2.
Variant type: single nucleotide variant.
Coding change: c.848T>C on transcript NM_000965.5 (MANE Select); coding-DNA position 848, T replaced by C.
Protein change: p.Leu283Pro; replaces leucine 283 with proline.
Molecular consequence: missense variant. On other transcripts: non-coding transcript variant (1), intron variant (1).
Genome position (GRCh38, 1-based): chr3:25,593,564, T>C. VCF-style: chr3-25593564-T-C. GRCh37 (hg19) VCF-style: chr3-25635055-T-C.
Other names: c.512T>C, p.Leu171Pro (NM_001290217.2, NM_001290276.2, NM_016152.4); c.701T>C, p.Leu234Pro (NM_001290266.2); c.719T>C, p.Leu240Pro (NM_001290300.2); c.787-77T>C (NM_001290277.1); c.869T>C, p.Leu290Pro (NM_001290216.3); short protein forms L171P, L234P, L240P, L283P, L290P.
Identifiers: ClinVar variation 2430936 (VCV002430936.1), dbSNP rs2529811682, ClinGen allele CA351886301.